The following is an entry in ClinVar:

ClinVar aggregate classification (germline): Conflicting classifications of pathogenicity. Review status: criteria provided, conflicting classifications (1 of 4 stars). 4 submissions from 4 submitters: Uncertain significance (2); Likely benign (1). 1 of the submissions does not count toward it. Last evaluated 2026-01-25.

Conditions:
Usher syndrome type 1 (USH1). Also called: RETINITIS PIGMENTOSA AND CONGENITAL DEAFNESS. Identifiers: Orphanet 231169, Orphanet 886, MedGen C1568247, MONDO:0010168, OMIM 276900.

Allele frequency attached by ClinVar (database versions not stated): gnomAD exomes 0.00010; ExAC 0.00012; ESP Exome Variant Server 0.00016; gnomAD 0.00029 and 0.00031; 1000 Genomes Project 30x 0.00031; TOPMed 0.00031; 1000 Genomes Project 0.00040.
gnomAD v4.1: 75 of 1,613,536 alleles (0.0046%); highest among the groups gnomAD compares: African/African-American, 0.092%; no homozygotes.

Submissions (4):

Labcorp Genetics (formerly Invitae), Labcorp
Classification: Likely benign. Last evaluated: 2026-01-25. Review status: criteria provided, single submitter. Criteria: Invitae Variant Classification Sherloc (09022015). Collection method: clinical testing. Allele origin: germline.

Blueprint Genetics
Classification: Uncertain significance. Last evaluated: 2024-10-22. Review status: criteria provided, single submitter. Criteria: ACMG Guidelines, 2015. Collection method: clinical testing. Allele origin: germline.

Laboratory for Molecular Medicine, Mass General Brigham Personalized Medicine
Classification: Uncertain significance. Last evaluated: 2013-12-05. Review status: criteria provided, single submitter. Criteria: LMM Criteria. Collection method: clinical testing. Allele origin: germline. Observed: 1 variant allele.
Comment: Variant classified as Uncertain Significance - Favor Benign. The Ala781Thr varia nt in CDH23 has not been previously reported in individuals with hearing loss, b ut was identified in 0.04% (2/4214) of African American chromosomes by the NHLBI Exome Sequencing Project (rs37591828). Compu tational analyses (biochemical amino acid properties, conservation, AlignGVGD, P olyPhen2, and SIFT) suggest that the Ala781Thr variant may not impact the protei n, though this information is not predictive enough to rule out pathogenicity. I n summary, the clinical significance of this variant cannot be determined with c ertainty; however based upon the arguments described above, we would lean toward s a more likely benign role.

Natera, Inc.
Classification: Uncertain significance for Usher syndrome type 1. Last evaluated: 2020-01-24. Review status: no assertion criteria provided. Collection method: clinical testing. Allele origin: germline. Not counted in ClinVar's aggregate classification.

NM_022124.6(CDH23):c.2341G>A (p.Ala781Thr)

Gene: CDH23 (cadherin related 23; plus strand). Cytogenetic location: 10q22.1.
Variant type: single nucleotide variant.
Coding change: c.2341G>A on transcript NM_022124.6 (MANE Select); coding-DNA position 2341, G replaced by A.
Protein change: p.Ala781Thr; replaces alanine 781 with threonine.
Molecular consequence: missense variant.
Genome position (GRCh38, 1-based): chr10:71,695,469, G>A. VCF-style: chr10-71695469-G-A. GRCh37 (hg19) VCF-style: chr10-73455226-G-A.
Other names: c.2341G>A, p.Ala781Thr (NM_001171930.2, NM_001171931.2); short protein forms A781T.
Identifiers: ClinVar variation 178302 (VCV000178302.14), dbSNP rs375918283, ClinGen allele CA182070.